The following is an entry in ClinVar:

ClinVar aggregate classification (germline): Pathogenic (1 of 4 stars; one submission).

Submission:

GeneDx
Classification: Pathogenic. Last evaluated: 2025-08-28. Review status: criteria provided, single submitter. Criteria: GeneDx Variant Classification Process June 2021. Collection method: clinical testing. Allele origin: germline. Affected: yes.
Comment: Not observed at significant frequency in large population cohorts (gnomAD); Canonical splice site variant predicted to result in a null allele in a gene for which loss of function is a known mechanism of disease; This variant is associated with the following publications: (PMID: 31785789, 33504798, 33057194, 35982159, 26235985)

NM_001356.5(DDX3X):c.46-2A>C

Gene: DDX3X (DEAD-box helicase 3 X-linked; plus strand). Cytogenetic location: Xp11.4.
Variant type: single nucleotide variant.
Coding change: c.46-2A>C on transcript NM_001356.5 (MANE Select); the canonical splice acceptor site of the intron before coding-DNA position 46, A replaced by C.
Molecular consequence: splice acceptor variant.
Genome position (GRCh38, 1-based): chrX:41,337,406, A>C. VCF-style: chrX-41337406-A-C. GRCh37 (hg19) VCF-style: chrX-41196659-A-C.
Other names: c.46-2A>C (NM_001193416.3, NM_001193417.3); c.-1858-2A>C (NM_001363819.1).
Identifiers: ClinVar variation 4812884 (VCV004812884.1).
Genomic context (GRCh38, chrX:41,337,406, plus strand): 5'-CTAGTTTTCTCTTAATGTAGTATTTGAGCACATGGGGTGCTAACCATCTCACTCTCTTCT[A>C]GTTTGCTGGCCTAGACCTGAACTCTTCAGATAATCAGAGTGGAGGAAGTACAGCCAGCAG-3'